The following is an entry in ClinVar:

ClinVar aggregate classification (germline): Uncertain significance (1 of 4 stars; one submission).

Conditions:
Peroxisome biogenesis disorder 11A (Zellweger). Also called: Peroxisome biogenesis disorder 11A. Identifiers: Orphanet 912, MedGen C3554000, MONDO:0013949, OMIM 614883.

Allele frequency attached by ClinVar (database versions not stated): gnomAD exomes below 0.00001 and 0.00001; TOPMed below 0.00001; ExAC 0.00001; gnomAD 0.00001.
gnomAD v4.1: 13 of 1,613,232 alleles (0.00081%); highest among the groups gnomAD compares: Non-Finnish European, 0.0011%; no homozygotes.

Submission:

Labcorp Genetics (formerly Invitae), Labcorp
Classification: Uncertain significance for Peroxisome biogenesis disorder 11A (Zellweger). Last evaluated: 2024-11-05. Review status: criteria provided, single submitter. Criteria: Invitae Variant Classification Sherloc (09022015). Collection method: clinical testing. Allele origin: germline.
Comment: This sequence change replaces serine, which is neutral and polar, with proline, which is neutral and non-polar, at codon 32 of the PEX13 protein (p.Ser32Pro). This variant is present in population databases (rs759610758, gnomAD 0.0009%). This variant has not been reported in the literature in individuals affected with PEX13-related conditions. ClinVar contains an entry for this variant (Variation ID: 1444448). An algorithm developed to predict the effect of missense changes on protein structure and function (PolyPhen-2) suggests that this variant is likely to be disruptive. In summary, the available evidence is currently insufficient to determine the role of this variant in disease. Therefore, it has been classified as a Variant of Uncertain Significance.

NM_002618.4(PEX13):c.94T>C (p.Ser32Pro)

Gene: PEX13 (peroxisomal biogenesis factor 13; plus strand). Cytogenetic location: 2p15.
Variant type: single nucleotide variant.
Coding change: c.94T>C on transcript NM_002618.4 (MANE Select); coding-DNA position 94, T replaced by C.
Protein change: p.Ser32Pro; replaces serine 32 with proline.
Molecular consequence: missense variant.
Genome position (GRCh38, 1-based): chr2:61,031,420, T>C. VCF-style: chr2-61031420-T-C. GRCh37 (hg19) VCF-style: chr2-61258555-T-C.
Other names: short protein forms S32P.
Identifiers: ClinVar variation 1444448 (VCV001444448.8), dbSNP rs759610758, ClinGen allele CA1673233.
Genomic context (GRCh38, chr2:61,031,420, plus strand): 5'-ACTTTGAATTGAATTTATTGTATGCTTAAATAACTGTTTTGAATCTTTTTTGGTTTTAGA[T>C]CTGCTGATTTGGGTCCTACTTTAATGACAAGACCTGGACAACCAGCACTTACCAGAGTGC-3'
Protein context (NP_002609.1, residues 22-42): PGPGPGPTFQ[Ser32Pro]ADLGPTLMTR